The following is an entry in ClinVar:

NM_018706.7(DHTKD1):c.1544del (p.Pro515fs)

Gene: DHTKD1 (dehydrogenase E1 and transketolase domain containing 1; plus strand). Cytogenetic location: 10p14.
Variant type: Deletion.
Coding change: c.1544del on transcript NM_018706.7 (MANE Select); coding-DNA position 1544, one base deleted (C; older notation c.1544delC).
Protein change: p.Pro515fs; shifts the reading frame from proline 515.
Molecular consequence: frameshift variant.
Genome position (GRCh38, 1-based): chr10:12,097,869, C deleted; the last of 2 consecutive C bases (chr10:12,097,868-12,097,869); deleting either gives the same sequence. VCF-style (leftmost placement, unchanged base first): chr10-12097867-GC-G. GRCh37 (hg19) VCF-style: chr10-12139866-GC-G.
Other names: short protein forms P515fs.
Identifiers: ClinVar variation 2030322 (VCV002030322.4), dbSNP rs2491491847, ClinGen allele CA2580081322.

ClinVar aggregate classification (germline): Pathogenic (1 of 4 stars; one submission).

Conditions:
2-aminoadipic 2-oxoadipic aciduria (AAKAD). Also called: Aminoadipic aciduria; ALPHA-AMINOADIPIC AND ALPHA-KETOADIPIC ACIDURIA. Identifiers: Orphanet 79154, MedGen C1859817, MONDO:0008774, OMIM 204750.

Submission:

Labcorp Genetics (formerly Invitae), Labcorp
Classification: Pathogenic for 2-aminoadipic 2-oxoadipic aciduria. Last evaluated: 2024-10-29. Review status: criteria provided, single submitter. Criteria: Invitae Variant Classification Sherloc (09022015). Collection method: clinical testing. Allele origin: germline.
Comment: This sequence change creates a premature translational stop signal (p.Pro515Glnfs*22) in the DHTKD1 gene. It is expected to result in an absent or disrupted protein product. Loss-of-function variants in DHTKD1 are known to be pathogenic (PMID: 23141293, 25860818). This variant is not present in population databases (gnomAD no frequency). This variant has not been reported in the literature in individuals affected with DHTKD1-related conditions. ClinVar contains an entry for this variant (Variation ID: 2030322). For these reasons, this variant has been classified as Pathogenic.

Literature cited by the submitters: PubMed 23141293; PubMed 25860818.